The following is an entry in ClinVar:

NM_018489.3(ASH1L):c.8642G>T (p.Arg2881Leu)

Gene: ASH1L (ASH1 like histone lysine methyltransferase; minus strand). Cytogenetic location: 1q22.
Variant type: single nucleotide variant.
Coding change: c.8642G>T on transcript NM_018489.3 (MANE Select); coding-DNA position 8642, G replaced by T.
Protein change: p.Arg2881Leu; replaces arginine 2881 with leucine.
Molecular consequence: missense variant.
Genome position (GRCh38, 1-based): chr1:155,338,250, C>A on the plus strand (G>T on the coding strand, the complement: ASH1L is on the minus strand). VCF-style: chr1-155338250-C-A. GRCh37 (hg19) VCF-style: chr1-155308041-C-A.
Other names: c.8657G>T, p.Arg2886Leu (NM_001366177.2); short protein forms R2881L, R2886L.
Identifiers: ClinVar variation 1033494 (VCV001033494.1), dbSNP rs375668916, ClinGen allele CA1145824.

ClinVar aggregate classification (germline): Uncertain significance (1 of 4 stars; one submission).

Conditions:
Intellectual developmental disorder, autosomal dominant 52. Also called: Mental retardation, autosomal dominant 52; Intellectual disability, autosomal dominant 52. Identifiers: MedGen C4540478, MONDO:0030918, OMIM 617796.

gnomAD v4.1: 7 of 1,614,038 alleles (0.00043%); highest among the groups gnomAD compares: South Asian, 0.0077%; no homozygotes.

Submission:

Baylor Genetics
Classification: Uncertain significance for Intellectual developmental disorder, autosomal dominant 52. Last evaluated: 2018-11-03. Review status: criteria provided, single submitter. Criteria: ACMG Guidelines, 2015. Collection method: clinical testing. Allele origin: maternal. Affected: yes.
Comment: This variant was determined to be of uncertain significance according to ACMG Guidelines, 2015 [PMID:25741868].